The following is an entry in ClinVar:

NM_006031.6(PCNT):c.9872G>C (p.Arg3291Thr)

Gene: PCNT (pericentrin; plus strand). Cytogenetic location: 21q22.3.
Variant type: single nucleotide variant.
Coding change: c.9872G>C on transcript NM_006031.6 (MANE Select); coding-DNA position 9872, G replaced by C.
Protein change: p.Arg3291Thr; replaces arginine 3291 with threonine.
Molecular consequence: missense variant.
Genome position (GRCh38, 1-based): chr21:46,444,726, G>C. VCF-style: chr21-46444726-G-C. GRCh37 (hg19) VCF-style: chr21-47864639-G-C.
Other names: c.9281G>C, p.Arg3094Thr (NM_001315529.2); short protein forms R3291T, R3094T.
Identifiers: ClinVar variation 4990365 (VCV004990365.1).

ClinVar aggregate classification (germline): Uncertain significance (1 of 4 stars; one submission).

Conditions:
PCNT-related disorder. Also called: PCNT-related condition.

gnomAD v4.1: 4 of 1,612,012 alleles (0.00025%); highest among the groups gnomAD compares: African/African-American, 0.0054%; no homozygotes.

Submission:

PreventionGenetics, part of Exact Sciences
Classification: Uncertain significance for PCNT-related condition. Last evaluated: 2025-01-29. Review status: criteria provided, single submitter. Criteria: ACMG Guidelines, 2015. Collection method: clinical testing. Allele origin: germline.
Comment: The PCNT c.9872G>C variant is predicted to result in the amino acid substitution p.Arg3291Thr. To our knowledge, this variant has not been reported in the literature. This variant is reported in 0.012% of alleles in individuals of African descent in gnomAD. At this time, the clinical significance of this variant is uncertain due to the absence of conclusive functional and genetic evidence.